The following is an entry in ClinVar:

NM_012199.5(AGO1):c.1574C>T (p.Pro525Leu)

Gene: AGO1 (argonaute RISC component 1; plus strand). Cytogenetic location: 1p34.3.
Variant type: single nucleotide variant.
Coding change: c.1574C>T on transcript NM_012199.5 (MANE Select); coding-DNA position 1574, C replaced by T.
Protein change: p.Pro525Leu; replaces proline 525 with leucine.
Molecular consequence: missense variant.
Genome position (GRCh38, 1-based): chr1:35,907,111, C>T. VCF-style: chr1-35907111-C-T. GRCh37 (hg19) VCF-style: chr1-36372712-C-T.
Other names: c.1574C>T, p.Pro525Leu (NM_001317122.2); c.1349C>T, p.Pro450Leu (NM_001317123.2); short protein forms P450L, P525L.
Identifiers: ClinVar variation 2606646 (VCV002606646.2), dbSNP rs2523888155, ClinGen allele CA339384070.
Genomic context (GRCh38, chr1:35,907,111, plus strand): 5'-ATCTCAAGAACACCTACTCAGGGCTGCAGCTCATTATTGTCATCCTGCCAGGGAAGACGC[C>T]GGTGTATGGTACAGTTCTCTTGGGACAGTGATAATGGTGATAGGACTCTTCTCAGCGTAG-3'
Protein context (NP_036331.1, residues 515-535): LIIVILPGKT[Pro525Leu]VYAEVKRVGD

ClinVar aggregate classification (germline): Uncertain significance (1 of 4 stars; one submission).

Conditions:
Inborn genetic diseases. Identifiers: MedGen C0950123, MeSH D030342.

Submission:

Ambry Genetics
Classification: Uncertain significance for Inborn genetic diseases. Last evaluated: 2023-07-26. Review status: criteria provided, single submitter. Criteria: Ambry Variant Classification Scheme 2023. Collection method: clinical testing. Allele origin: germline.
Comment: The c.1574C>T (p.P525L) alteration is located in exon 12 (coding exon 12) of the AGO1 gene. This alteration results from a C to T substitution at nucleotide position 1574, causing the proline (P) at amino acid position 525 to be replaced by a leucine (L). This variant was not reported in population-based cohorts in the Genome Aggregation Database (gnomAD). This amino acid position is highly conserved in available vertebrate species. This missense alteration is located in a region that has a low rate of benign missense variation (Lek, 2016; Firth, 2009). The in silico prediction for this alteration is inconclusive. Based on insufficient or conflicting evidence, the clinical significance of this alteration remains unclear.